The following is an entry in ClinVar:

NM_001966.4(EHHADH):c.1732G>T (p.Gly578Cys)

Gene: EHHADH (enoyl-CoA hydratase and 3-hydroxyacyl CoA dehydrogenase; minus strand). Cytogenetic location: 3q27.2.
Variant type: single nucleotide variant.
Coding change: c.1732G>T on transcript NM_001966.4 (MANE Select); coding-DNA position 1732, G replaced by T.
Protein change: p.Gly578Cys; replaces glycine 578 with cysteine.
Molecular consequence: missense variant.
Genome position (GRCh38, 1-based): chr3:185,192,666, C>A on the plus strand (G>T on the coding strand, the complement: EHHADH is on the minus strand). VCF-style: chr3-185192666-C-A. GRCh37 (hg19) VCF-style: chr3-184910454-C-A.
Other names: c.1444G>T, p.Gly482Cys (NM_001166415.2); short protein forms G482C, G578C.
Identifiers: ClinVar variation 3055592 (VCV003055592.2), dbSNP rs1717915821, ClinGen allele CA355676147.

ClinVar aggregate classification (germline): Uncertain significance (0 of 4 stars; one submission).

Conditions:
EHHADH-related disorder. Also called: EHHADH-related condition.

Allele frequency attached by ClinVar (database versions not stated): gnomAD exomes below 0.00001.
gnomAD v4.1: 4 of 1,614,124 alleles (0.00025%); highest among the groups gnomAD compares: Non-Finnish European, 0.00025%; no homozygotes.

Submission:

PreventionGenetics, part of Exact Sciences
Classification: Uncertain significance for EHHADH-related condition. Last evaluated: 2023-11-11. Review status: no assertion criteria provided. Collection method: clinical testing. Allele origin: germline.
Comment: The EHHADH c.1732G>T variant is predicted to result in the amino acid substitution p.Gly578Cys. To our knowledge, this variant has not been reported in the literature or in a large population database, indicating this variant is rare. At this time, the clinical significance of this variant is uncertain due to the absence of conclusive functional and genetic evidence.